The following is an entry in ClinVar:

NM_006302.3(MOGS):c.1250dup (p.Glu418fs)

Gene: MOGS (mannosyl-oligosaccharide glucosidase; minus strand). Cytogenetic location: 2p13.1.
Variant type: Duplication.
Coding change: c.1250dup on transcript NM_006302.3 (MANE Select); coding-DNA position 1250, one base duplicated (T; older notation c.1250dupT).
Protein change: p.Glu418fs; shifts the reading frame from glutamic acid 418.
Molecular consequence: frameshift variant.
Genome position (GRCh38, 1-based): chr2:74,462,539, A duplicated on the plus strand (T on the coding strand, the reverse complement: MOGS is on the minus strand). VCF-style (leftmost placement, unchanged base first): chr2-74462538-C-CA. GRCh37 (hg19) VCF-style: chr2-74689665-C-CA.
Other names: c.932dup, p.Glu312fs (NM_001146158.2); short protein forms E418fs, E312fs.
Identifiers: ClinVar variation 3672613 (VCV003672613.4).

ClinVar aggregate classification (germline): Pathogenic/Likely pathogenic. Review status: criteria provided, multiple submitters, no conflicts (2 of 4 stars). 3 submissions from 3 submitters: Pathogenic (1); Likely pathogenic (2). Last evaluated 2024-11-19.

Conditions:
MOGS-congenital disorder of glycosylation. Also called: MOGS-CDG; CDG IIb; GLUCOSIDASE I DEFICIENCY; CDG 2B. Identifiers: Orphanet 79330, MedGen C1853736, MONDO:0011629, OMIM 606056.
MOGS-related disorder. Also called: MOGS-related condition.

Submissions (3):

Labcorp Genetics (formerly Invitae), Labcorp
Classification: Pathogenic for MOGS-congenital disorder of glycosylation. Last evaluated: 2024-11-19. Review status: criteria provided, single submitter. Criteria: Invitae Variant Classification Sherloc (09022015). Collection method: clinical testing. Allele origin: germline.
Comment: This sequence change creates a premature translational stop signal (p.Glu418Glyfs*4) in the MOGS gene. While this is not anticipated to result in nonsense mediated decay, it is expected to disrupt the last 420 amino acid(s) of the MOGS protein. This variant is present in population databases (rs764450139, gnomAD 0.003%). This variant has not been reported in the literature in individuals affected with MOGS-related conditions. This variant disrupts a region of the MOGS protein in which other variant(s) (p.Arg535*) have been determined to be pathogenic (PMID: 29235540, 33261925). This suggests that this is a clinically significant region of the protein, and that variants that disrupt it are likely to be disease-causing. For these reasons, this variant has been classified as Pathogenic.

Blueprint Genetics
Classification: Likely pathogenic for MOGS-related disorders. Last evaluated: 2024-03-15. Review status: criteria provided, single submitter. Criteria: ACMG Guidelines, 2015. Collection method: clinical testing. Allele origin: germline. Affected: yes. Observed: 2 variant alleles.

Department of Pathology and Laboratory Medicine, Sinai Health System
Classification: Likely pathogenic for MOGS-congenital disorder of glycosylation. Last evaluated: 2022-03-30. Review status: criteria provided, single submitter. Criteria: ACMG Guidelines, 2015. Collection method: research. Allele origin: germline.

Literature cited by the submitters: PubMed 29235540 (cited by Labcorp Genetics (formerly Invitae), Labcorp); PubMed 33261925 (cited by Labcorp Genetics (formerly Invitae), Labcorp).